The following is an entry in ClinVar:

NM_015047.3(EMC1):c.2352C>T (p.Ile784=)

Genes: EMC1 (ER membrane protein complex subunit 1; minus strand), EMC1-AS1 (EMC1 antisense RNA 1; plus strand). Cytogenetic location: 1p36.13.
Variant type: single nucleotide variant.
Coding change: c.2352C>T on transcript NM_015047.3 (MANE Select); coding-DNA position 2352, C replaced by T.
Protein change: p.Ile784=; no amino-acid change (isoleucine 784 retained).
Molecular consequence: synonymous variant.
Genome position (GRCh38, 1-based): chr1:19,223,420, G>A on the plus strand (C>T on the coding strand, the complement: EMC1 is on the minus strand). VCF-style: chr1-19223420-G-A. GRCh37 (hg19) VCF-style: chr1-19549914-G-A.
Other names: c.2349C>T, p.Ile783= (NM_001271427.2, NM_001271428.2); c.2286C>T, p.Ile762= (NM_001271429.2); c.2361C>T, p.Ile787= (NM_001375820.1); c.2358C>T, p.Ile786= (NM_001375821.1).
Identifiers: ClinVar variation 1106518 (VCV001106518.11), dbSNP rs745732457, ClinGen allele CA652317.

ClinVar aggregate classification (germline): Likely benign. Review status: criteria provided, multiple submitters, no conflicts (2 of 4 stars). 3 submissions from 3 submitters: Likely benign (3). Last evaluated 2026-07-01.

Allele frequency attached by ClinVar (database versions not stated): gnomAD 0.00001 and 0.00002; gnomAD exomes 0.00001 and 0.00002; ExAC 0.00002; TOPMed 0.00002.
gnomAD v4.1: 28 of 1,614,036 alleles (0.0017%); highest among the groups gnomAD compares: Middle Eastern, 0.033%; no homozygotes.

Submissions (3):

CeGaT Center for Human Genetics Tuebingen
Classification: Likely benign. Last evaluated: 2026-07-01. Review status: criteria provided, single submitter. Criteria: CeGaT Center For Human Genetics Tuebingen Variant Classification Criteria Version 2. Collection method: clinical testing. Allele origin: germline. Affected: yes. Observed: 1 variant allele.
Comment: EMC1: BP4, BP7

Labcorp Genetics (formerly Invitae), Labcorp
Classification: Likely benign. Last evaluated: 2025-10-26. Review status: criteria provided, single submitter. Criteria: Invitae Variant Classification Sherloc (09022015). Collection method: clinical testing. Allele origin: germline.

Blueprint Genetics
Classification: Likely benign. Last evaluated: 2019-10-10. Review status: criteria provided, single submitter. Criteria: ACMG Guidelines, 2015. Collection method: clinical testing. Allele origin: germline.